The following is an entry in ClinVar:

NM_001161352.2(KCNMA1):c.1849A>G (p.Thr617Ala)

Gene: KCNMA1 (potassium calcium-activated channel subfamily M alpha 1; minus strand). Cytogenetic location: 10q22.3.
Variant type: single nucleotide variant.
Coding change: c.1849A>G on transcript NM_001161352.2 (MANE Select); coding-DNA position 1849, A replaced by G.
Protein change: p.Thr617Ala; replaces threonine 617 with alanine.
Molecular consequence: missense variant.
Genome position (GRCh38, 1-based): chr10:77,039,538, T>C on the plus strand (A>G on the coding strand, the complement: KCNMA1 is on the minus strand). VCF-style: chr10-77039538-T-C. GRCh37 (hg19) VCF-style: chr10-78799296-T-C.
Other names: c.1849A>G, p.Thr617Ala (NM_001161353.2, NM_001014797.3, NM_001271519.2 and 7 more transcripts); c.1687A>G, p.Thr563Ala (NM_001271518.2); c.1309A>G, p.Thr437Ala (NM_001322838.2); short protein forms T563A, T437A, T617A.
Identifiers: ClinVar variation 1467977 (VCV001467977.9), dbSNP rs199572642, ClinGen allele CA5568336.

ClinVar aggregate classification (germline): Uncertain significance. Review status: criteria provided, multiple submitters, no conflicts (2 of 4 stars). 2 submissions from 2 submitters: Uncertain significance (2). Last evaluated 2023-05-20.

Conditions:
Generalized epilepsy-paroxysmal dyskinesia syndrome (PNKD3). Also called: Generalized epilepsy and paroxysmal dyskinesia; Paroxysmal nonkinesigenic dyskinesia, 3, with or without generalized epilepsy. Identifiers: Orphanet 79137, MedGen C5574945, MONDO:0012276, OMIM 609446.

Allele frequency attached by ClinVar (database versions not stated): gnomAD exomes 0.00001 and 0.00002; ExAC 0.00002.
gnomAD v4.1: 16 of 1,591,586 alleles (0.001%); highest among the groups gnomAD compares: Middle Eastern, 0.017%; no homozygotes.

Submissions (2):

Neuberg Centre For Genomic Medicine, NCGM
Classification: Uncertain significance for Generalized epilepsy-paroxysmal dyskinesia syndrome. Last evaluated: 2023-05-20. Review status: criteria provided, single submitter. Criteria: ACMG Guidelines, 2015. Collection method: clinical testing. Allele origin: germline. Inheritance: Autosomal dominant inheritance. Affected: yes.
Comment: The observed missense c.1849A>G(p.Thr617Ala) variant in KCNMA1 gene has not been reported previously as a pathogenic variant nor as a benign variant, to our knowledge. This variant is reported with the allele frequency of 0.002% in the gnomAD Exomes. This variant has been reported to the ClinVar database as Uncertain Significance. However, no details are available for independent assessment. The amino acid Thr at position 617 is changed to a Ala changing protein sequence and it might alter its composition and physico-chemical properties. The amino acid change p.Thr617Ala in KCNMA1 is predicted as conserved by GERP++ and PhyloP across 100 vertebrates. Computational evidence (Polyphen - Benign, SIFT - Tolerated, and MutationTaster - Disease causing) predicts conflicting evidence on protein structure and function for this variant. For these reasons, this variant has been classified as Uncertain Significance.

Labcorp Genetics (formerly Invitae), Labcorp
Classification: Uncertain significance for Generalized epilepsy-paroxysmal dyskinesia syndrome. Last evaluated: 2021-02-14. Review status: criteria provided, single submitter. Criteria: Invitae Variant Classification Sherloc (09022015). Collection method: clinical testing. Allele origin: germline.
Comment: This variant has not been reported in the literature in individuals with KCNMA1-related conditions. Algorithms developed to predict the effect of missense changes on protein structure and function (SIFT, PolyPhen-2, Align-GVGD) all suggest that this variant is likely to be tolerated, but these predictions have not been confirmed by published functional studies and their clinical significance is uncertain. In summary, the available evidence is currently insufficient to determine the role of this variant in disease. Therefore, it has been classified as a Variant of Uncertain Significance. This sequence change replaces threonine with alanine at codon 617 of the KCNMA1 protein (p.Thr617Ala). The threonine residue is moderately conserved and there is a small physicochemical difference between threonine and alanine. This variant is present in population databases (rs199572642, ExAC 0.02%).